The following is an entry in ClinVar:

NM_000222.3(KIT):c.2897C>T (p.Ser966Phe)

Gene: KIT (KIT proto-oncogene, receptor tyrosine kinase; plus strand). Cytogenetic location: 4q12.
Variant type: single nucleotide variant.
Coding change: c.2897C>T on transcript NM_000222.3 (MANE Select); coding-DNA position 2897, C replaced by T.
Protein change: p.Ser966Phe; replaces serine 966 with phenylalanine.
Molecular consequence: missense variant.
Genome position (GRCh38, 1-based): chr4:54,738,523, C>T. VCF-style: chr4-54738523-C-T. GRCh37 (hg19) VCF-style: chr4-55604689-C-T.
Other names: c.2885C>T, p.Ser962Phe (NM_001093772.2, NM_001385292.1); c.2900C>T, p.Ser967Phe (NM_001385284.1); c.2894C>T, p.Ser965Phe (NM_001385285.1); c.2882C>T, p.Ser961Phe (NM_001385286.1); c.2888C>T, p.Ser963Phe (NM_001385288.1); c.2897C>T, p.Ser966Phe (NM_001385290.1); short protein forms S966F, S962F, S961F, S963F, S965F, S967F.
Identifiers: ClinVar variation 658064 (VCV000658064.10), dbSNP rs765503364, ClinGen allele CA356916489.

ClinVar aggregate classification (germline): Uncertain significance. Review status: criteria provided, multiple submitters, no conflicts (2 of 4 stars). 2 submissions from 2 submitters: Uncertain significance (2). Last evaluated 2025-09-23.

Conditions:
Hereditary cancer-predisposing syndrome. Also called: Neoplastic Syndromes, Hereditary; Tumor predisposition; Hereditary Cancer Syndrome; Hereditary neoplastic syndrome. Identifiers: Orphanet 140162, MedGen C0027672, MeSH D009386, MONDO:0015356.
Gastrointestinal stromal tumor. Also called: Gastrointestinal stromal tumor, somatic; Gastrointestinal stroma tumor. Identifiers: Orphanet 44890, MedGen C0238198, MeSH D046152, MONDO:0011719, OMIM 606764, HP:0100723.

Submissions (2):

Ambry Genetics
Classification: Uncertain significance for Hereditary cancer-predisposing syndrome. Last evaluated: 2025-09-23. Review status: criteria provided, single submitter. Criteria: Ambry Variant Classification Scheme 2023. Collection method: clinical testing. Allele origin: germline.
Comment: The p.S966F variant (also known as c.2897C>T), located in coding exon 21 of the KIT gene, results from a C to T substitution at nucleotide position 2897. The serine at codon 966 is replaced by phenylalanine, an amino acid with highly dissimilar properties. This amino acid position is conserved. In addition, this alteration is predicted to be tolerated by in silico analysis. Since supporting evidence is limited at this time, the clinical significance of this alteration remains unclear.

Labcorp Genetics (formerly Invitae), Labcorp
Classification: Uncertain significance for Gastrointestinal stromal tumor. Last evaluated: 2018-11-15. Review status: criteria provided, single submitter. Criteria: Invitae Variant Classification Sherloc (09022015). Collection method: clinical testing. Allele origin: germline.
Comment: Algorithms developed to predict the effect of missense changes on protein structure and function are either unavailable or do not agree on the potential impact of this missense change (SIFT: "Deleterious"; PolyPhen-2: "Benign"; Align-GVGD: "Class C15"). In summary, the available evidence is currently insufficient to determine the role of this variant in disease. Therefore, it has been classified as a Variant of Uncertain Significance. This variant has not been reported in the literature in individuals with KIT-related disease. This variant is not present in population databases (ExAC no frequency). This sequence change replaces serine with phenylalanine at codon 966 of the KIT protein (p.Ser966Phe). The serine residue is highly conserved and there is a large physicochemical difference between serine and phenylalanine.